The following is an entry in ClinVar:

ClinVar aggregate classification (germline): Benign/Likely benign. Review status: criteria provided, multiple submitters, no conflicts (2 of 4 stars). 4 submissions from 4 submitters: Benign (1); Likely benign (3). Last evaluated 2025-12-08.

Conditions:
OSBPL2-related disorder. Also called: OSBPL2-related condition.

Allele frequency attached by ClinVar (database versions not stated): 1000 Genomes Project 0.00100; ESP Exome Variant Server 0.00100; 1000 Genomes Project 30x 0.00109.
gnomAD v4.1: 250 of 1,614,182 alleles (0.015%); highest among the groups gnomAD compares: African/African-American, 0.3%; no homozygotes.

Submissions (4):

Labcorp Genetics (formerly Invitae), Labcorp
Classification: Benign. Last evaluated: 2025-12-08. Review status: criteria provided, single submitter. Criteria: Invitae Variant Classification Sherloc (09022015). Collection method: clinical testing. Allele origin: germline.

PreventionGenetics, part of Exact Sciences
Classification: Likely benign for OSBPL2-related condition. Last evaluated: 2024-12-09. Review status: criteria provided, single submitter. Criteria: ACMG Guidelines, 2015. Collection method: clinical testing. Allele origin: germline.
Comment: This variant is classified as likely benign based on ACMG/AMP sequence variant interpretation guidelines (Richards et al. 2015 PMID: 25741868, with internal and published modifications).

GeneDx
Classification: Likely benign. Last evaluated: 2020-08-07. Review status: criteria provided, single submitter. Criteria: GeneDx Variant Classification Process June 2021. Collection method: clinical testing. Allele origin: germline. Affected: yes.

Breakthrough Genomics
Classification: Likely benign. Review status: criteria provided, single submitter. Criteria: ACMG Guidelines, 2015. Collection method: not provided. Allele origin: germline. Inheritance: Autosomal dominant inheritance. Affected: yes.

NM_144498.4(OSBPL2):c.543C>G (p.Pro181=)

Gene: OSBPL2 (oxysterol binding protein like 2; plus strand). Cytogenetic location: 20q13.33.
Variant type: single nucleotide variant.
Coding change: c.543C>G on transcript NM_144498.4 (MANE Select); coding-DNA position 543, C replaced by G.
Protein change: p.Pro181=; no amino-acid change (proline 181 retained).
Molecular consequence: synonymous variant.
Genome position (GRCh38, 1-based): chr20:62,279,208, C>G. VCF-style: chr20-62279208-C-G. GRCh37 (hg19) VCF-style: chr20-60854264-C-G.
Other names: c.267C>G, p.Pro89= (NM_001278649.3, NM_001363878.2); c.507C>G, p.Pro169= (NM_014835.5).
Identifiers: ClinVar variation 1217597 (VCV001217597.12), dbSNP rs139386621, ClinGen allele CA9938497.